The following is an entry in ClinVar:

ClinVar aggregate classification (germline): Uncertain significance (1 of 4 stars; one submission).

Submission:

Labcorp Genetics (formerly Invitae), Labcorp
Classification: Uncertain significance. Last evaluated: 2022-09-26. Review status: criteria provided, single submitter. Criteria: Invitae Variant Classification Sherloc (09022015). Collection method: clinical testing. Allele origin: germline.
Comment: This sequence change replaces alanine, which is neutral and non-polar, with aspartic acid, which is acidic and polar, at codon 358 of the LCT protein (p.Ala358Asp). This variant is not present in population databases (gnomAD no frequency). This variant has not been reported in the literature in individuals affected with LCT-related conditions. Algorithms developed to predict the effect of missense changes on protein structure and function are either unavailable or do not agree on the potential impact of this missense change (SIFT: "Not Available"; PolyPhen-2: "Possibly Damaging"; Align-GVGD: "Not Available"). In summary, the available evidence is currently insufficient to determine the role of this variant in disease. Therefore, it has been classified as a Variant of Uncertain Significance.

NM_002299.4(LCT):c.1073C>A (p.Ala358Asp)

Genes: LCT (lactase; minus strand), LOC126806353 (BRD4-independent group 4 enhancer GRCh37_chr2:136574960-136576159; plus strand). Cytogenetic location: 2q21.3.
Variant type: single nucleotide variant.
Coding change: c.1073C>A on transcript NM_002299.4 (MANE Select); coding-DNA position 1073, C replaced by A.
Protein change: p.Ala358Asp; replaces alanine 358 with aspartic acid.
Molecular consequence: missense variant.
Genome position (GRCh38, 1-based): chr2:135,817,975, G>T on the plus strand (C>A on the coding strand, the complement: LCT is on the minus strand). VCF-style: chr2-135817975-G-T. GRCh37 (hg19) VCF-style: chr2-136575545-G-T.
Other names: short protein forms A358D.
Identifiers: ClinVar variation 1717616 (VCV001717616.6), dbSNP rs1438974007, ClinGen allele CA348607163.
Genomic context (GRCh38, chr2:135,817,975, plus strand): 5'-AGGAAGGCATCCCTTTCCGCCCTGGACTGATTGGCAAATGCTTCCCAGATTCTCTGATAG[G>T]CAGAGGCAGGAGAGGAGTCCGTGGTCTCGTGGTCCTGCTGCTGGTCAGGCTGAAGGGCCA-3'
Protein context (NP_002290.2, residues 348-368): HETTDSSPAS[Ala358Asp]YQRIWEAFAN